The following is an entry in ClinVar:

NM_002691.4(POLD1):c.2852C>T (p.Pro951Leu)

Gene: POLD1 (DNA polymerase delta 1, catalytic subunit; plus strand). Cytogenetic location: 19q13.33.
Variant type: single nucleotide variant.
Coding change: c.2852C>T on transcript NM_002691.4 (MANE Select); coding-DNA position 2852, C replaced by T.
Protein change: p.Pro951Leu; replaces proline 951 with leucine.
Molecular consequence: missense variant. On other transcripts: non-coding transcript variant (1).
Genome position (GRCh38, 1-based): chr19:50,416,427, C>T. VCF-style: chr19-50416427-C-T. GRCh37 (hg19) VCF-style: chr19-50919684-C-T.
Other names: c.2852C>T, p.Pro951Leu (NM_001256849.1); c.2930C>T, p.Pro977Leu (NM_001308632.1); short protein forms P951L, P977L.
Identifiers: ClinVar variation 1796851 (VCV001796851.2), dbSNP rs2514065534, ClinGen allele CA406986312.
Genomic context (GRCh38, chr19:50,416,427, plus strand): 5'-GCCCGGGTGTGACTGCCATGTGGCCGCAGGACCCGCTGTTCGTGCTGGAGCACAGCCTGC[C>T]CATTGACACGCAGTACTACCTGGAGCAGCAGCTGGCCAAGCCCCTCCTGCGCATCTTCGA-3'
Protein context (NP_002682.2, residues 941-961): DPLFVLEHSL[Pro951Leu]IDTQYYLEQQ

ClinVar aggregate classification (germline): Uncertain significance (1 of 4 stars; one submission).

Conditions:
Hereditary cancer-predisposing syndrome. Also called: Tumor predisposition; Hereditary Cancer Syndrome; Neoplastic Syndromes, Hereditary; Hereditary neoplastic syndrome. Identifiers: Orphanet 140162, MedGen C0027672, MeSH D009386, MONDO:0015356.

Submission:

Ambry Genetics
Classification: Uncertain significance for Hereditary cancer-predisposing syndrome. Last evaluated: 2021-09-28. Review status: criteria provided, single submitter. Criteria: Ambry Variant Classification Scheme 2023. Collection method: clinical testing. Allele origin: germline.
Comment: The p.P951L variant (also known as c.2852C>T), located in coding exon 22 of the POLD1 gene, results from a C to T substitution at nucleotide position 2852. The proline at codon 951 is replaced by leucine, an amino acid with similar properties. This amino acid position is conserved. In addition, this alteration is predicted to be tolerated by in silico analysis. Since supporting evidence is limited at this time, the clinical significance of this alteration remains unclear.